The following is an entry in ClinVar:

NM_177550.5(SLC13A5):c.840-7T>C

Gene: SLC13A5 (solute carrier family 13 member 5; minus strand). Cytogenetic location: 17p13.1.
Variant type: single nucleotide variant.
Coding change: c.840-7T>C on transcript NM_177550.5 (MANE Select); 7 bases into the intron before coding-DNA position 840, T replaced by C.
Molecular consequence: intron variant.
Genome position (GRCh38, 1-based): chr17:6,695,948, A>G on the plus strand (T>C on the coding strand, the complement: SLC13A5 is on the minus strand). VCF-style: chr17-6695948-A-G. GRCh37 (hg19) VCF-style: chr17-6599267-A-G.
Other names: c.711-7T>C (NM_001284510.2); c.789-7T>C (NM_001284509.2); c.840-7T>C (NM_001143838.3).
Identifiers: ClinVar variation 509543 (VCV000509543.1), dbSNP rs750657841, ClinGen allele CA8331585.

ClinVar aggregate classification (germline): Likely benign (1 of 4 stars; one submission).

Allele frequency attached by ClinVar (database versions not stated): ExAC 0.00001.
gnomAD v4.1: 3 of 1,613,408 alleles (0.00019%); highest among the groups gnomAD compares: South Asian, 0.0022%; no homozygotes.

Submission:

GeneDx
Classification: Likely benign. Last evaluated: 2017-05-10. Review status: criteria provided, single submitter. Criteria: GeneDx Variant Classification (06012015). Collection method: clinical testing. Allele origin: germline. Affected: yes.
Comment: This variant is considered likely benign or benign based on one or more of the following criteria: it is a conservative change, it occurs at a poorly conserved position in the protein, it is predicted to be benign by multiple in silico algorithms, and/or has population frequency not consistent with disease.